The following is an entry in ClinVar:

ClinVar aggregate classification (germline): Uncertain significance (1 of 4 stars; one submission).

gnomAD v4.1: 1 of 1,614,012 alleles (0.000062%); highest among the groups gnomAD compares: African/African-American, 0.0013%; no homozygotes.

Submission:

Ambry Genetics
Classification: Uncertain significance. Last evaluated: 2024-06-14. Review status: criteria provided, single submitter. Criteria: Ambry Variant Classification Scheme 2023. Collection method: clinical testing. Allele origin: germline.
Comment: The p.V207L variant (also known as c.619G>C), located in coding exon 3 of the MYLK2 gene, results from a G to C substitution at nucleotide position 619. The valine at codon 207 is replaced by leucine, an amino acid with highly similar properties. This amino acid position is conserved. In addition, this alteration is predicted to be tolerated by in silico analysis. Based on the available evidence, the clinical significance of this variant remains unclear.

NM_033118.4(MYLK2):c.619G>C (p.Val207Leu)

Gene: MYLK2 (myosin light chain kinase 2; plus strand). Cytogenetic location: 20q11.21.
Variant type: single nucleotide variant.
Coding change: c.619G>C on transcript NM_033118.4 (MANE Select); coding-DNA position 619, G replaced by C.
Protein change: p.Val207Leu; replaces valine 207 with leucine.
Molecular consequence: missense variant.
Genome position (GRCh38, 1-based): chr20:31,821,584, G>C. VCF-style: chr20-31821584-G-C. GRCh37 (hg19) VCF-style: chr20-30409387-G-C.
Other names: short protein forms V207L.
Identifiers: ClinVar variation 3297639 (VCV003297639.1).
Genomic context (GRCh38, chr20:31,821,584, plus strand): 5'-GATCCCAGGCCAGCCAAGGCAGAAGAAGGAAAGAACATCCTGGCAGAGAGCCAGAAGGAA[G>C]TGGGAGAGAAAACCCCAGGCCAGGCTGGCCAGGCTAAGATGCAAGGGGACACCTCGAGGG-3'
Protein context (NP_149109.1, residues 197-217): KNILAESQKE[Val207Leu]GEKTPGQAGQ